The following is an entry in ClinVar:

NM_006231.4(POLE):c.3425AGA[1] (p.Lys1143del)

Gene: POLE (DNA polymerase epsilon, catalytic subunit; minus strand). Cytogenetic location: 12q24.33.
Variant type: Microsatellite.
Coding change: c.3425AGA[1] on transcript NM_006231.4 (MANE Select); one copy of the 3-base unit AGA starting at c.3425; the reference has two copies in a row; one copy, 3 bases deleted.
Protein change: p.Lys1143del; deletes lysine 1143.
Molecular consequence: inframe deletion.
Genome position (GRCh38, 1-based): chr12:132,657,378-132,657,380, TCT deleted on the plus strand (AGA on the coding strand, the reverse complement: POLE is on the minus strand); deleting any 3 consecutive bases within chr12:132,657,378-132,657,383 gives the same sequence; the position shown is the placement nearest the transcript's 3' end. VCF-style (leftmost placement, unchanged base first): chr12-132657377-ATCT-A. GRCh37 (hg19) VCF-style: chr12-133233963-ATCT-A.
Other names: short protein forms K1143del.
Identifiers: ClinVar variation 823759 (VCV000823759.4), dbSNP rs1593766582, ClinGen allele CA915946832.

ClinVar aggregate classification (germline): Uncertain significance (1 of 4 stars; one submission).

Conditions:
Hereditary cancer-predisposing syndrome. Also called: Neoplastic Syndromes, Hereditary; Tumor predisposition; Hereditary neoplastic syndrome; Hereditary Cancer Syndrome. Identifiers: Orphanet 140162, MedGen C0027672, MeSH D009386, MONDO:0015356.

Submission:

Ambry Genetics
Classification: Uncertain significance for Hereditary cancer-predisposing syndrome. Last evaluated: 2019-04-22. Review status: criteria provided, single submitter. Criteria: Ambry Variant Classification Scheme 2023. Collection method: clinical testing. Allele origin: germline.
Comment: The c.3428_3430delAGA variant (also known as p.K1143del) is located in coding exon 28 of the POLE gene. This variant results from an in-frame AGA deletion at nucleotide positions 3428 to 3430. This results in the in-frame deletion of a lysine at codon 1143. This amino acid position is highly conserved in available vertebrate species. Since supporting evidence is limited at this time, the clinical significance of this alteration remains unclear.